The following is an entry in ClinVar:

NM_080425.4(GNAS):c.424G>T (p.Gly142Ter)

Gene: GNAS (GNAS complex locus; plus strand). Cytogenetic location: 20q13.32.
Variant type: single nucleotide variant.
Coding change: c.424G>T on transcript NM_080425.4 (MANE Plus Clinical); coding-DNA position 424, G replaced by T.
Protein change: p.Gly142Ter; replaces glycine 142 with a stop codon.
Molecular consequence: nonsense. On other transcripts: synonymous variant (2), intron variant (3).
Genome position (GRCh38, 1-based): chr20:58,853,689, G>T. VCF-style: chr20-58853689-G-T. GRCh37 (hg19) VCF-style: chr20-57428744-G-T.
Other names: c.237G>T, p.Pro79= (NM_001077490.3, NM_001309883.1); c.424G>T, p.Gly142Ter (NM_001410913.1); c.*42+12803G>T (NM_016592.5); c.43+12803G>T (NM_001410912.1); c.-39+11814G>T (NM_001309861.2); short protein forms G142*.
Identifiers: ClinVar variation 3378034 (VCV003378034.1).

ClinVar aggregate classification (germline): Pathogenic (1 of 4 stars; one submission).

gnomAD v4.1: 4 of 1,613,568 alleles (0.00025%); highest among the groups gnomAD compares: East Asian, 0.0089%; no homozygotes.

Submission:

GeneDx
Classification: Pathogenic. Last evaluated: 2024-05-06. Review status: criteria provided, single submitter. Criteria: GeneDx Variant Classification Process June 2021. Collection method: clinical testing. Allele origin: germline. Affected: yes.
Comment: Published functional studies demonstrate a damaging effect with reduction in cAMP production (PMID: 32157680); Nonsense variant predicted to result in protein truncation or nonsense mediated decay in a gene for which loss of function is a known mechanism of disease; Reported using an alternate transcript of the gene; This variant is associated with the following publications: (PMID: 37014531, 19188737, 32157680, 37249323)